The following is an entry in ClinVar:

ClinVar aggregate classification (germline): Conflicting classifications of pathogenicity. Review status: criteria provided, conflicting classifications (1 of 4 stars). 3 submissions from 3 submitters: Uncertain significance (2); Likely benign (1). Last evaluated 2026-01-05.

Conditions:
Hereditary cancer-predisposing syndrome. Also called: Neoplastic Syndromes, Hereditary; Tumor predisposition; Hereditary Cancer Syndrome; Hereditary neoplastic syndrome. Identifiers: Orphanet 140162, MedGen C0027672, MeSH D009386, MONDO:0015356.

Allele frequency attached by ClinVar (database versions not stated): gnomAD 0.00001; gnomAD exomes 0.00001; TOPMed 0.00001; ExAC 0.00002; 1000 Genomes Project 30x 0.00016; 1000 Genomes Project 0.00020.
gnomAD v4.1: 16 of 1,613,378 alleles (0.00099%); highest among the groups gnomAD compares: African/African-American, 0.0027%; no homozygotes.

Submissions (3):

Labcorp Genetics (formerly Invitae), Labcorp
Classification: Uncertain significance. Last evaluated: 2026-01-05. Review status: criteria provided, single submitter. Criteria: Invitae Variant Classification Sherloc (09022015). Collection method: clinical testing. Allele origin: germline.
Comment: This sequence change replaces alanine, which is neutral and non-polar, with threonine, which is neutral and polar, at codon 1854 of the POLE protein (p.Ala1854Thr). This variant is present in population databases (rs557167678, gnomAD 0.01%). This variant has not been reported in the literature in individuals affected with POLE-related conditions. ClinVar contains an entry for this variant (Variation ID: 473741). Invitae Evidence Modeling of protein sequence and biophysical properties (such as structural, functional, and spatial information, amino acid conservation, physicochemical variation, residue mobility, and thermodynamic stability) indicates that this missense variant is not expected to disrupt POLE protein function with a negative predictive value of 80%. In summary, the available evidence is currently insufficient to determine the role of this variant in disease. Therefore, it has been classified as a Variant of Uncertain Significance.

Ambry Genetics
Classification: Likely benign for Hereditary cancer-predisposing syndrome. Last evaluated: 2024-03-29. Review status: criteria provided, single submitter. Criteria: Ambry Variant Classification Scheme 2023. Collection method: clinical testing. Allele origin: germline.

GeneDx
Classification: Uncertain significance. Last evaluated: 2023-05-16. Review status: criteria provided, single submitter. Criteria: GeneDx Variant Classification Process June 2021. Collection method: clinical testing. Allele origin: germline. Affected: yes.
Comment: Not observed at significant frequency in large population cohorts (gnomAD); In silico analysis supports that this missense variant does not alter protein structure/function; Has not been previously published as pathogenic or benign to our knowledge

NM_006231.4(POLE):c.5560G>A (p.Ala1854Thr)

Gene: POLE (DNA polymerase epsilon, catalytic subunit; minus strand). Cytogenetic location: 12q24.33.
Variant type: single nucleotide variant.
Coding change: c.5560G>A on transcript NM_006231.4 (MANE Select); coding-DNA position 5560, G replaced by A.
Protein change: p.Ala1854Thr; replaces alanine 1854 with threonine.
Molecular consequence: missense variant.
Genome position (GRCh38, 1-based): chr12:132,638,132, C>T on the plus strand (G>A on the coding strand, the complement: POLE is on the minus strand). VCF-style: chr12-132638132-C-T. GRCh37 (hg19) VCF-style: chr12-133214718-C-T.
Other names: short protein forms A1854T.
Identifiers: ClinVar variation 473741 (VCV000473741.15), dbSNP rs557167678, ClinGen allele CA6892471.